The following is an entry in ClinVar:

NM_133433.4(NIPBL):c.5954A>G (p.Tyr1985Cys)

Gene: NIPBL (NIPBL cohesin loading factor; plus strand). Cytogenetic location: 5p13.2.
Variant type: single nucleotide variant.
Coding change: c.5954A>G on transcript NM_133433.4 (MANE Select); coding-DNA position 5954, A replaced by G.
Protein change: p.Tyr1985Cys; replaces tyrosine 1985 with cysteine.
Molecular consequence: missense variant.
Genome position (GRCh38, 1-based): chr5:37,036,470, A>G. VCF-style: chr5-37036470-A-G. GRCh37 (hg19) VCF-style: chr5-37036572-A-G.
Other names: c.5954A>G, p.Tyr1985Cys (NM_015384.5); short protein forms Y1985C.
Identifiers: ClinVar variation 1803588 (VCV001803588.1), dbSNP rs1751709545, ClinGen allele CA359496833.
Genomic context (GRCh38, chr5:37,036,470, plus strand): 5'-AACCTGTGAAGAAAGCTTGTACTCAACTTGTTGATAACCTAGTTGAGCACATTCTTAAAT[A>G]TGAGGAATCTCTAGCTGGTAAGACATTTTATATATATATTGATCTTTAGTTGATTTTATA-3'
Protein context (NP_597677.2, residues 1975-1995): VDNLVEHILK[Tyr1985Cys]EESLADSDNK

ClinVar aggregate classification (germline): Uncertain significance (1 of 4 stars; one submission).

Allele frequency attached by ClinVar (database versions not stated): gnomAD exomes below 0.00001.
gnomAD v4.1: 1 of 1,427,276 alleles (0.00007%); highest among the groups gnomAD compares: Non-Finnish European, 0.000094%; no homozygotes.

Submission:

GeneDx
Classification: Uncertain significance. Last evaluated: 2022-06-07. Review status: criteria provided, single submitter. Criteria: GeneDx Variant Classification Process June 2021. Collection method: clinical testing. Allele origin: germline. Affected: yes.
Comment: Not observed at significant frequency in large population cohorts (gnomAD); In silico analysis supports that this missense variant does not alter protein structure/function; Has not been previously published as pathogenic or benign to our knowledge